The following is an entry in ClinVar:

NM_003242.6(TGFBR2):c.1568A>G (p.His523Arg)

Gene: TGFBR2 (transforming growth factor beta receptor 2; plus strand). Cytogenetic location: 3p24.1.
Variant type: single nucleotide variant.
Coding change: c.1568A>G on transcript NM_003242.6 (MANE Select); coding-DNA position 1568, A replaced by G.
Protein change: p.His523Arg; replaces histidine 523 with arginine.
Molecular consequence: missense variant.
Genome position (GRCh38, 1-based): chr3:30,691,463, A>G. VCF-style: chr3-30691463-A-G. GRCh37 (hg19) VCF-style: chr3-30732955-A-G.
Other names: c.1643A>G, p.His548Arg (NM_001024847.3); c.1751A>G, p.His584Arg (NM_001407126.1); c.1676A>G, p.His559Arg (NM_001407127.1); c.1595A>G, p.His532Arg (NM_001407128.1); c.1571A>G, p.His524Arg (NM_001407129.1); c.1565A>G, p.His522Arg (NM_001407130.1); c.1463A>G, p.His488Arg (NM_001407132.1, NM_001407133.1, NM_001407134.1 and 2 more transcripts); c.1283A>G, p.His428Arg (NM_001407137.1); and 2 more; short protein forms H233R, H403R, H428R, H488R, H522R, H523R, H524R, H532R.
Identifiers: ClinVar variation 3223156 (VCV003223156.1), dbSNP rs1699708270, ClinGen allele CA351809575.
Genomic context (GRCh38, chr3:30,691,463, plus strand): 5'-TCTCTTTCCCGCTACAGGGCATCCAGATGGTGTGTGAGACGTTGACTGAGTGCTGGGACC[A>G]CGACCCAGAGGCCCGTCTCACAGCCCAGTGTGTGGCAGAACGCTTCAGTGAGCTGGAGCA-3'
Protein context (NP_003233.4, residues 513-533): VCETLTECWD[His523Arg]DPEARLTAQC

ClinVar aggregate classification (germline): Uncertain significance (1 of 4 stars; one submission).

Conditions:
Familial thoracic aortic aneurysm and aortic dissection (TAAD). Also called: Thoracic aortic aneurysms and dissections. Identifiers: Orphanet 91387, MedGen C4707243, MONDO:0019625.

Allele frequency attached by ClinVar (database versions not stated): gnomAD exomes below 0.00001.
gnomAD v4.1: 1 of 1,614,062 alleles (0.000062%); highest among the groups gnomAD compares: South Asian, 0.0011%; no homozygotes.

Submission:

Ambry Genetics
Classification: Uncertain significance for Familial thoracic aortic aneurysm and aortic dissection. Last evaluated: 2023-11-04. Review status: criteria provided, single submitter. Criteria: Ambry Variant Classification Scheme 2023. Collection method: clinical testing. Allele origin: germline.
Comment: The p.H523R variant (also known as c.1568A>G), located in coding exon 7 of the TGFBR2 gene, results from an A to G substitution at nucleotide position 1568. The histidine at codon 523 is replaced by arginine, an amino acid with highly similar properties. This amino acid position is conserved. In addition, this alteration is predicted to be deleterious by in silico analysis. Since supporting evidence is limited at this time, the clinical significance of this alteration remains unclear.